The following is an entry in ClinVar:

ClinVar aggregate classification (germline): Uncertain significance (1 of 4 stars; one submission).

Conditions:
Autosomal recessive severe congenital neutropenia due to JAGN1 deficiency. Also called: Severe congenital neutropenia 6, autosomal recessive. Identifiers: Orphanet 423384, MedGen C4014954, MONDO:0014456, OMIM 616022.

Allele frequency attached by ClinVar (database versions not stated): TOPMed below 0.00001.

Submission:

Labcorp Genetics (formerly Invitae), Labcorp
Classification: Uncertain significance for Autosomal recessive severe congenital neutropenia due to JAGN1 deficiency. Last evaluated: 2021-12-25. Review status: criteria provided, single submitter. Criteria: Invitae Variant Classification Sherloc (09022015). Collection method: clinical testing. Allele origin: germline.
Comment: In summary, the available evidence is currently insufficient to determine the role of this variant in disease. Therefore, it has been classified as a Variant of Uncertain Significance. Variants that disrupt the consensus splice site are a relatively common cause of aberrant splicing (PMID: 17576681, 9536098). Algorithms developed to predict the effect of sequence changes on RNA splicing suggest that this variant may disrupt the consensus splice site. Algorithms developed to predict the effect of missense changes on protein structure and function are either unavailable or do not agree on the potential impact of this missense change (SIFT: "Deleterious"; PolyPhen-2: "Probably Damaging"; Align-GVGD: "Class C0"). This variant has not been reported in the literature in individuals affected with JAGN1-related conditions. This variant is not present in population databases (gnomAD no frequency). This sequence change replaces serine, which is neutral and polar, with asparagine, which is neutral and polar, at codon 30 of the JAGN1 protein (p.Ser30Asn). This variant also falls at the last nucleotide of exon 1, which is part of the consensus splice site for this exon.

Literature cited by the submitters: PubMed 17576681; PubMed 9536098.

NM_032492.4(JAGN1):c.89G>A (p.Ser30Asn)

Gene: JAGN1 (jagunal vesicle mediated transporter 1; plus strand). Cytogenetic location: 3p25.3.
Variant type: single nucleotide variant.
Coding change: c.89G>A on transcript NM_032492.4 (MANE Select); coding-DNA position 89, G replaced by A.
Protein change: p.Ser30Asn; replaces serine 30 with asparagine.
Molecular consequence: missense variant. On other transcripts: 5 prime UTR variant (1).
Genome position (GRCh38, 1-based): chr3:9,890,811, G>A. VCF-style: chr3-9890811-G-A. GRCh37 (hg19) VCF-style: chr3-9932495-G-A.
Other names: c.-180G>A (NM_001363890.1); short protein forms S30N.
Identifiers: ClinVar variation 1970256 (VCV001970256.5), dbSNP rs1457546133, ClinGen allele CA351712250.
Genomic context (GRCh38, chr3:9,890,811, plus strand): 5'-CCGGCACCGACGGCAGCGACTTTCAGCACCGGGAGCGCGTCGCCATGCACTACCAGATGA[G>A]GTATGAAGTGAGGCGAGGAGCACGGAGGCTTTCTCCCCCGCTGGAGCCTGCGGGGCTTGG-3'
Protein context (NP_115881.3, residues 20-40): RERVAMHYQM[Ser30Asn]VTLKYEIKKL